The following is an entry in ClinVar:

NM_015205.3(ATP11A):c.2890G>A (p.Val964Met)

Gene: ATP11A (ATPase phospholipid transporting 11A; plus strand). Cytogenetic location: 13q34.
Variant type: single nucleotide variant.
Coding change: c.2890G>A on transcript NM_015205.3 (MANE Select); coding-DNA position 2890, G replaced by A.
Protein change: p.Val964Met; replaces valine 964 with methionine.
Molecular consequence: missense variant.
Genome position (GRCh38, 1-based): chr13:112,862,474, G>A. VCF-style: chr13-112862474-G-A. GRCh37 (hg19) VCF-style: chr13-113516788-G-A.
Other names: c.2890G>A, p.Val964Met (NM_032189.4); short protein forms V964M.
Identifiers: ClinVar variation 736078 (VCV000736078.6), dbSNP rs143392665, ClinGen allele CA7057359.

ClinVar aggregate classification (germline): Conflicting classifications of pathogenicity. Review status: criteria provided, conflicting classifications (1 of 4 stars). 3 submissions from 3 submitters: Uncertain significance (1); Likely benign (2). Last evaluated 2024-12-30.

Conditions:
ATP11A-related disorder. Also called: ATP11A-related condition.
Inborn genetic diseases. Identifiers: MedGen C0950123, MeSH D030342.

Allele frequency attached by ClinVar (database versions not stated): 1000 Genomes Project 0.00120; 1000 Genomes Project 30x 0.00187; gnomAD 0.00195 and 0.00205; TOPMed 0.00210; ESP Exome Variant Server 0.00246.
gnomAD v4.1: 793 of 1,614,132 alleles (0.049%); highest among the groups gnomAD compares: African/African-American, 0.61%; 5 homozygotes.

Submissions (3):

PreventionGenetics, part of Exact Sciences
Classification: Likely benign for ATP11A-related condition. Last evaluated: 2024-12-30. Review status: criteria provided, single submitter. Criteria: ACMG Guidelines, 2015. Collection method: clinical testing. Allele origin: germline.
Comment: This variant is classified as likely benign based on ACMG/AMP sequence variant interpretation guidelines (Richards et al. 2015 PMID: 25741868, with internal and published modifications).

Ambry Genetics
Classification: Uncertain significance for Inborn genetic diseases. Last evaluated: 2024-08-21. Review status: criteria provided, single submitter. Criteria: Ambry Variant Classification Scheme 2023. Collection method: clinical testing. Allele origin: germline.

Labcorp Genetics (formerly Invitae), Labcorp
Classification: Likely benign. Last evaluated: 2019-12-31. Review status: criteria provided, single submitter. Criteria: Invitae Variant Classification Sherloc (09022015). Collection method: clinical testing. Allele origin: germline.